The following is an entry in ClinVar:

ClinVar aggregate classification (germline): Uncertain significance (1 of 4 stars; one submission).

Conditions:
Hereditary cancer-predisposing syndrome. Also called: Tumor predisposition; Hereditary neoplastic syndrome; Hereditary Cancer Syndrome; Neoplastic Syndromes, Hereditary. Identifiers: Orphanet 140162, MedGen C0027672, MeSH D009386, MONDO:0015356.

Allele frequency attached by ClinVar (database versions not stated): gnomAD exomes below 0.00001; TOPMed below 0.00001.
gnomAD v4.1: 1 of 1,612,336 alleles (0.000062%); highest among the groups gnomAD compares: Non-Finnish European, 0.000085%; no homozygotes.

Submission:

Ambry Genetics
Classification: Uncertain significance for Hereditary cancer-predisposing syndrome. Last evaluated: 2023-12-17. Review status: criteria provided, single submitter. Criteria: Ambry Variant Classification Scheme 2023. Collection method: clinical testing. Allele origin: germline.
Comment: The p.K187R variant (also known as c.560A>G), located in coding exon 3 of the MSH3 gene, results from an A to G substitution at nucleotide position 560. The lysine at codon 187 is replaced by arginine, an amino acid with highly similar properties. This amino acid position is conserved. In addition, this alteration is predicted to be tolerated by in silico analysis. Since supporting evidence is limited at this time, the clinical significance of this alteration remains unclear.

NM_002439.5(MSH3):c.560A>G (p.Lys187Arg)

Gene: MSH3 (mutS homolog 3; plus strand). Cytogenetic location: 5q14.1.
Variant type: single nucleotide variant.
Coding change: c.560A>G on transcript NM_002439.5 (MANE Select); coding-DNA position 560, A replaced by G.
Protein change: p.Lys187Arg; replaces lysine 187 with arginine.
Molecular consequence: missense variant.
Genome position (GRCh38, 1-based): chr5:80,665,344, A>G. VCF-style: chr5-80665344-A-G. GRCh37 (hg19) VCF-style: chr5-79961163-A-G.
Other names: short protein forms K187R.
Identifiers: ClinVar variation 3222303 (VCV003222303.1), dbSNP rs1749546941, ClinGen allele CA360264549.